The following is an entry in ClinVar:

ClinVar aggregate classification (germline): Uncertain significance. Review status: criteria provided, single submitter (1 of 4 stars). 2 submissions from 2 submitters: Uncertain significance (1). 1 of the submissions does not count toward it. Last evaluated 2022-06-27.

Conditions:
Methylmalonic aciduria, cblA type (MACA). Also called: Methylmalonic aciduria, vitamin B12-responsive; Vitamin B12-responsive methylmalonic acidemia type cblA; Methylmalonic aciduria, vitamin b12-responsive, due to defect in synthesis of adenosylcobalamin, cbla complementation type; MMA cbl A type; Methylmalonic acidemia cblA type. Identifiers: Orphanet 28, Orphanet 79310, MedGen C1855109, MONDO:0009613, OMIM 251100.

Allele frequency attached by ClinVar (database versions not stated): gnomAD exomes 0.00001; TOPMed 0.00001.
gnomAD v4.1: 12 of 1,614,018 alleles (0.00074%); highest among the groups gnomAD compares: Admixed American, 0.0017%; no homozygotes.

Submissions (2):

Labcorp Genetics (formerly Invitae), Labcorp
Classification: Uncertain significance for Methylmalonic aciduria, cblA type. Last evaluated: 2022-06-27. Review status: criteria provided, single submitter. Criteria: Invitae Variant Classification Sherloc (09022015). Collection method: clinical testing. Allele origin: germline.
Comment: This sequence change replaces glutamic acid, which is acidic and polar, with lysine, which is basic and polar, at codon 226 of the MMAA protein (p.Glu226Lys). This variant is present in population databases (no rsID available, gnomAD 0.003%). This variant has not been reported in the literature in individuals affected with MMAA-related conditions. ClinVar contains an entry for this variant (Variation ID: 942986). Advanced modeling of protein sequence and biophysical properties (such as structural, functional, and spatial information, amino acid conservation, physicochemical variation, residue mobility, and thermodynamic stability) performed at Invitae indicates that this missense variant is expected to disrupt MMAA protein function. In summary, the available evidence is currently insufficient to determine the role of this variant in disease. Therefore, it has been classified as a Variant of Uncertain Significance.

Natera, Inc.
Classification: Uncertain significance for Methylmalonic aciduria cblA type. Last evaluated: 2021-07-16. Review status: no assertion criteria provided. Collection method: clinical testing. Allele origin: germline. Not counted in ClinVar's aggregate classification.

NM_172250.3(MMAA):c.676G>A (p.Glu226Lys)

Gene: MMAA (metabolism of cobalamin associated A; plus strand). Cytogenetic location: 4q31.21.
Variant type: single nucleotide variant.
Coding change: c.676G>A on transcript NM_172250.3 (MANE Select); coding-DNA position 676, G replaced by A.
Protein change: p.Glu226Lys; replaces glutamic acid 226 with lysine.
Molecular consequence: missense variant.
Genome position (GRCh38, 1-based): chr4:145,646,099, G>A. VCF-style: chr4-145646099-G-A. GRCh37 (hg19) VCF-style: chr4-146567251-G-A.
Other names: c.676G>A, p.Glu226Lys (NM_001375644.1); short protein forms E226K.
Identifiers: ClinVar variation 942986 (VCV000942986.9), dbSNP rs1036460255, ClinGen allele CA107725528.